The following is an entry in ClinVar:

NM_138382.3(RIPPLY1):c.433C>G (p.Gln145Glu)

Genes: CLDN2 (claudin 2; plus strand), RIPPLY1 (ripply transcriptional repressor 1; minus strand). Cytogenetic location: Xq22.3.
Variant type: single nucleotide variant.
Coding change: c.433C>G on transcript NM_138382.3 (MANE Select); coding-DNA position 433, C replaced by G.
Protein change: p.Gln145Glu; replaces glutamine 145 with glutamic acid.
Molecular consequence: missense variant. On other transcripts: intron variant (1).
Genome position (GRCh38, 1-based): chrX:106,900,772, G>C on the plus strand (C>G on the coding strand, the complement: RIPPLY1 is on the minus strand). VCF-style: chrX-106900772-G-C. GRCh37 (hg19) VCF-style: chrX-106144002-G-C.
Other names: c.292C>G, p.Gln98Glu (NM_001171706.2); c.-179+268G>C (NM_001171092.1); short protein forms Q145E, Q98E.
Identifiers: ClinVar variation 4851707 (VCV004851707.1).

ClinVar aggregate classification (germline): Uncertain significance (1 of 4 stars; one submission).

gnomAD v4.1: 1 of 1,208,057 alleles (0.000083%); highest among the groups gnomAD compares: African/African-American, 0.0018%; no homozygotes.

Submission:

Greenwood Genetic Center Diagnostic Laboratories, Greenwood Genetic Center
Classification: Uncertain significance. Last evaluated: 2025-03-03. Review status: criteria provided, single submitter. Criteria: ACMG Guidelines, 2015. Collection method: clinical testing. Allele origin: germline.
Comment: PM2, BP4